The following is an entry in ClinVar:

ClinVar aggregate classification (germline): Uncertain significance (1 of 4 stars; one submission).

Conditions:
Ullrich congenital muscular dystrophy 2 (UCMD2). Identifiers: Orphanet 75840, MedGen C4225314, MONDO:0014654, OMIM 616470.
Bethlem myopathy 2 (BTHLM2). Identifiers: Orphanet 536516, Orphanet 610, MedGen C4225313, MONDO:0034022, OMIM 616471.

gnomAD v4.1: 2 of 1,612,614 alleles (0.00012%); highest among the groups gnomAD compares: Non-Finnish European, 0.00017%; no homozygotes.

Submission:

Labcorp Genetics (formerly Invitae), Labcorp
Classification: Uncertain significance for Bethlem myopathy 2; Ullrich congenital muscular dystrophy 2. Last evaluated: 2026-01-11. Review status: criteria provided, single submitter. Criteria: Invitae Variant Classification Sherloc (09022015). Collection method: clinical testing. Allele origin: germline.
Comment: This sequence change replaces glutamic acid, which is acidic and polar, with aspartic acid, which is acidic and polar, at codon 2891 of the COL12A1 protein (p.Glu2891Asp). This variant is not present in population databases (gnomAD no frequency). This variant has not been reported in the literature in individuals affected with COL12A1-related conditions. An algorithm developed to predict the effect of missense changes on protein structure and function (PolyPhen-2) suggests that this variant is likely to be tolerated. In summary, the available evidence is currently insufficient to determine the role of this variant in disease. Therefore, it has been classified as a Variant of Uncertain Significance.

NM_004370.6(COL12A1):c.8673A>T (p.Glu2891Asp)

Gene: COL12A1 (collagen type XII alpha 1 chain; minus strand). Cytogenetic location: 6q13.
Variant type: single nucleotide variant.
Coding change: c.8673A>T on transcript NM_004370.6 (MANE Select); coding-DNA position 8673, A replaced by T.
Protein change: p.Glu2891Asp; replaces glutamic acid 2891 with aspartic acid.
Molecular consequence: missense variant.
Genome position (GRCh38, 1-based): chr6:75,091,502, T>A on the plus strand (A>T on the coding strand, the complement: COL12A1 is on the minus strand). VCF-style: chr6-75091502-T-A. GRCh37 (hg19) VCF-style: chr6-75801218-T-A.
Other names: c.8673A>T, p.Glu2891Asp (NM_001424113.1); c.8652A>T, p.Glu2884Asp (NM_001424114.1); c.8400A>T, p.Glu2800Asp (NM_001424115.1); c.5181A>T, p.Glu1727Asp (NM_001424116.1, NM_080645.3); short protein forms E1727D, E2800D, E2884D, E2891D.
Identifiers: ClinVar variation 4786931 (VCV004786931.1).